The following is an entry in ClinVar:

ClinVar aggregate classification (germline): Likely pathogenic. Review status: criteria provided, single submitter (1 of 4 stars). 2 submissions from 2 submitters: Likely pathogenic (1). 1 of the submissions does not count toward it. Last evaluated 2024-05-21.

Conditions:
Marfan syndrome (MFS). Also called: Marfan syndrome type 1; Marfan syndrome, classic; Marfan's syndrome; FBN1-Related Marfan Syndrome; MARFAN SYNDROME, TYPE I. Identifiers: Orphanet 284963, Orphanet 558, MedGen C0024796, MONDO:0007947, OMIM 154700.

Submissions (2):

GeneDx
Classification: Likely pathogenic. Last evaluated: 2024-05-21. Review status: criteria provided, single submitter. Criteria: GeneDx Variant Classification Process June 2021. Collection method: clinical testing. Allele origin: germline. Affected: yes.
Comment: Not observed at significant frequency in large population cohorts (gnomAD); In silico analysis supports that this missense variant has a deleterious effect on protein structure/function; Affects a cysteine residue within a calcium-binding EGF-like domain of the FBN1 gene, which may affect disulfide bonding and is predicted to alter the structure and function of the protein; cysteine substitutions in the calcium-binding EGF-like domains represent the majority of pathogenic missense changes associated with FBN1-related disorders (PMID: 10486319, 12938084); This variant is associated with the following publications: (PMID: 10486319, 12938084, 21542060)

Center for Medical Genetics Ghent, University of Ghent
Classification: Likely pathogenic for Marfan syndrome. Last evaluated: 2017-11-07. Review status: no assertion criteria provided. Collection method: clinical testing. Allele origin: germline. Affected: yes. Not counted in ClinVar's aggregate classification.

NM_000138.5(FBN1):c.7936T>C (p.Cys2646Arg)

Gene: FBN1 (fibrillin 1; minus strand). Cytogenetic location: 15q21.1.
Variant type: single nucleotide variant.
Coding change: c.7936T>C on transcript NM_000138.5 (MANE Select); coding-DNA position 7936, T replaced by C.
Protein change: p.Cys2646Arg; replaces cysteine 2646 with arginine.
Molecular consequence: missense variant.
Genome position (GRCh38, 1-based): chr15:48,415,651, A>G on the plus strand (T>C on the coding strand, the complement: FBN1 is on the minus strand). VCF-style: chr15-48415651-A-G. GRCh37 (hg19) VCF-style: chr15-48707848-A-G.
Other names: short protein forms C2646R.
Identifiers: ClinVar variation 549444 (VCV000549444.2), dbSNP rs1555393863, ClinGen allele CA392323067.